The following is an entry in ClinVar:

NM_033225.6(CSMD1):c.4967C>T (p.Thr1656Met)

Gene: CSMD1 (CUB and Sushi multiple domains 1; minus strand). Cytogenetic location: 8p23.2.
Variant type: single nucleotide variant.
Coding change: c.4967C>T on transcript NM_033225.6 (MANE Select); coding-DNA position 4967, C replaced by T.
Protein change: p.Thr1656Met; replaces threonine 1656 with methionine.
Molecular consequence: missense variant.
Genome position (GRCh38, 1-based): chr8:3,205,521, G>A on the plus strand (C>T on the coding strand, the complement: CSMD1 is on the minus strand). VCF-style: chr8-3205521-G-A. GRCh37 (hg19) VCF-style: chr8-3063043-G-A.
Other names: short protein forms T1656M.
Identifiers: ClinVar variation 3906135 (VCV003906135.10).

ClinVar aggregate classification (germline): Likely benign (1 of 4 stars; one submission).

gnomAD v4.1: 459 of 1,561,970 alleles (0.029%); highest among the groups gnomAD compares: African/African-American, 0.33%; 1 homozygote.

Submission:

CeGaT Center for Human Genetics Tuebingen
Classification: Likely benign. Last evaluated: 2026-08-01. Review status: criteria provided, single submitter. Criteria: CeGaT Center For Human Genetics Tuebingen Variant Classification Criteria Version 2. Collection method: clinical testing. Allele origin: germline. Affected: yes. Observed: 2 variant alleles.
Comment: CSMD1: BS1